The following is an entry in ClinVar:

NM_201384.3(PLEC):c.112+3A>G

Genes: PLEC (plectin; minus strand), LOC130001338 (ATAC-STARR-seq lymphoblastoid active region 28078; plus strand). Cytogenetic location: 8q24.3.
Variant type: single nucleotide variant.
Coding change: c.112+3A>G on transcript NM_201384.3 (MANE Select); 3 bases into the intron after coding-DNA position 112, A replaced by G.
Molecular consequence: intron variant.
Genome position (GRCh38, 1-based): chr8:143,939,347, T>C on the plus strand (A>G on the coding strand, the complement: PLEC is on the minus strand). VCF-style: chr8-143939347-T-C. GRCh37 (hg19) VCF-style: chr8-145013515-T-C.
Other names: c.194-655A>G (NM_000445.5); c.71-655A>G (NM_201378.4); c.47-655A>G (NM_201379.3); c.524-655A>G (NM_201380.4); c.17-655A>G (NM_201381.3); c.113-655A>G (NM_201382.4); c.125-655A>G (NM_201383.3).
Identifiers: ClinVar variation 448048 (VCV000448048.6), dbSNP rs191308779, ClinGen allele CA4928658.

ClinVar aggregate classification (germline): Conflicting classifications of pathogenicity. Review status: criteria provided, conflicting classifications (1 of 4 stars). 3 submissions from 3 submitters: Uncertain significance (1); Benign (1); Likely benign (1). Last evaluated 2021-12-29.

Allele frequency attached by ClinVar (database versions not stated): gnomAD exomes 0.00048 and 0.00020; ExAC 0.00097; ESP Exome Variant Server 0.00190; gnomAD 0.00207 and 0.00215; TOPMed 0.00224; 1000 Genomes Project 0.00359; 1000 Genomes Project 30x 0.00359.
gnomAD v4.1: 612 of 1,610,988 alleles (0.038%); highest among the groups gnomAD compares: African/African-American, 0.77%; 8 homozygotes.

Submissions (3):

Blueprint Genetics
Classification: Likely benign. Last evaluated: 2021-12-29. Review status: criteria provided, single submitter. Criteria: ACMG Guidelines, 2015. Collection method: clinical testing. Allele origin: germline.

GeneDx
Classification: Uncertain significance. Last evaluated: 2021-12-08. Review status: criteria provided, single submitter. Criteria: GeneDx Variant Classification Process June 2021. Collection method: clinical testing. Allele origin: germline. Affected: yes.
Comment: In silico analysis supports a deleterious effect on splicing; Has not been previously published as pathogenic or benign to our knowledge

Athena Diagnostics
Classification: Benign. Last evaluated: 2018-12-31. Review status: criteria provided, single submitter. Criteria: Athena Diagnostics Criteria. Collection method: clinical testing. Allele origin: germline.